The following is an entry in ClinVar:

ClinVar aggregate classification (germline): Likely pathogenic (1 of 4 stars; one submission).

Conditions:
Juvenile polyposis syndrome (JPS). Identifiers: Orphanet 2929, MedGen C0345893, MONDO:0017380, OMIM 174900.

Submission:

Labcorp Genetics (formerly Invitae), Labcorp
Classification: Likely pathogenic for Juvenile polyposis syndrome. Last evaluated: 2021-11-17. Review status: criteria provided, single submitter. Criteria: Invitae Variant Classification Sherloc (09022015). Collection method: clinical testing. Allele origin: germline.
Comment: In summary, the currently available evidence indicates that the variant is pathogenic, but additional data are needed to prove that conclusively. Therefore, this variant has been classified as Likely Pathogenic. This variant disrupts the p.Arg361 amino acid residue in SMAD4. Other variant(s) that disrupt this residue have been determined to be pathogenic (PMID: 9214508, 9811934, 10764709, 11583957, 16613914, 17873119, 20101697). This suggests that this residue is clinically significant, and that variants that disrupt this residue are likely to be disease-causing. Advanced modeling of protein sequence and biophysical properties (such as structural, functional, and spatial information, amino acid conservation, physicochemical variation, residue mobility, and thermodynamic stability) performed at Invitae indicates that this missense variant is expected to disrupt SMAD4 protein function. ClinVar contains an entry for this variant (Variation ID: 24822). This missense change has been observed in individual(s) with juvenile polyposis (PMID: 15235019). This variant is not present in population databases (gnomAD no frequency). This sequence change replaces arginine, which is basic and polar, with serine, which is neutral and polar, at codon 361 of the SMAD4 protein (p.Arg361Ser).

Literature cited by the submitters: PubMed 9214508; PubMed 9811934; PubMed 10764709; PubMed 11583957; PubMed 16613914; PubMed 17873119; PubMed 20101697; PubMed 15235019.

NM_005359.6(SMAD4):c.1081C>A (p.Arg361Ser)

Gene: SMAD4 (SMAD family member 4; plus strand). Cytogenetic location: 18q21.2.
Variant type: single nucleotide variant.
Coding change: c.1081C>A on transcript NM_005359.6 (MANE Select); coding-DNA position 1081, C replaced by A.
Protein change: p.Arg361Ser; replaces arginine 361 with serine.
Molecular consequence: missense variant.
Genome position (GRCh38, 1-based): chr18:51,065,548, C>A. VCF-style: chr18-51065548-C-A. GRCh37 (hg19) VCF-style: chr18-48591918-C-A.
Other names: short protein forms R361S.
Identifiers: ClinVar variation 24822 (VCV000024822.9), dbSNP rs80338963, ClinGen allele CA259197.